The following is an entry in ClinVar:

NM_000170.3(GLDC):c.2457+8C>T

Gene: GLDC (glycine decarboxylase; minus strand). Cytogenetic location: 9p24.1.
Variant type: single nucleotide variant.
Coding change: c.2457+8C>T on transcript NM_000170.3 (MANE Select); 8 bases into the intron after coding-DNA position 2457, C replaced by T.
Molecular consequence: intron variant.
Genome position (GRCh38, 1-based): chr9:6,553,360, G>A on the plus strand (C>T on the coding strand, the complement: GLDC is on the minus strand). VCF-style: chr9-6553360-G-A. GRCh37 (hg19) VCF-style: chr9-6553360-G-A.
Identifiers: ClinVar variation 462872 (VCV000462872.20), dbSNP rs147308839, ClinGen allele CA4980228.
Genomic context (GRCh38, chr9:6,553,360, plus strand): 5'-TATCCGGTCCCCATGCATGCCTGACGCCCCCACCCACCTGCACACCTGCACATACTCCCA[G>A]GCCTCACCTTGATATAAGCCCAGGAAATGGGCAAGATGGAACTGGAGCCCCATGGGGCCG-3'

ClinVar aggregate classification (germline): Benign/Likely benign. Review status: criteria provided, multiple submitters, no conflicts (2 of 4 stars). 6 submissions from 6 submitters: Benign (1); Likely benign (4). 1 of the submissions does not count toward it. Last evaluated 2026-07-01.

Conditions:
Glycine encephalopathy. Also called: Nonketotic hyperglycinemia; Non-ketotic hyperglycinemia. Identifiers: Orphanet 407, MedGen C0751748, MONDO:0011612, HP:0008288.

Allele frequency attached by ClinVar (database versions not stated): gnomAD exomes 0.00092; ExAC 0.00106; 1000 Genomes Project 0.00339; ESP Exome Variant Server 0.00369; TOPMed 0.00376; 1000 Genomes Project 30x 0.00390; gnomAD 0.00395 and 0.00421.
gnomAD v4.1: 1,103 of 1,613,724 alleles (0.068%); highest among the groups gnomAD compares: African/African-American, 1.3%; 10 homozygotes.

Submissions (6):

CeGaT Center for Human Genetics Tuebingen
Classification: Likely benign. Last evaluated: 2026-07-01. Review status: criteria provided, single submitter. Criteria: CeGaT Center For Human Genetics Tuebingen Variant Classification Criteria Version 2. Collection method: clinical testing. Allele origin: germline. Affected: yes. Observed: 2 variant alleles.
Comment: GLDC: BP4, BS1

Labcorp Genetics (formerly Invitae), Labcorp
Classification: Benign for Glycine encephalopathy. Last evaluated: 2026-02-03. Review status: criteria provided, single submitter. Criteria: Invitae Variant Classification Sherloc (09022015). Collection method: clinical testing. Allele origin: germline.

Blueprint Genetics
Classification: Likely benign. Last evaluated: 2024-09-12. Review status: criteria provided, single submitter. Criteria: ACMG Guidelines, 2015. Collection method: clinical testing. Allele origin: germline.

GeneDx
Classification: Likely benign. Last evaluated: 2018-07-15. Review status: criteria provided, single submitter. Criteria: GeneDx Variant Classification Process June 2021. Collection method: clinical testing. Allele origin: germline. Affected: yes.

Breakthrough Genomics
Classification: Likely benign. Review status: criteria provided, single submitter. Criteria: ACMG Guidelines, 2015. Collection method: not provided. Allele origin: germline. Inheritance: Autosomal recessive inheritance. Affected: yes.

Natera, Inc.
Classification: Benign for Non-ketotic hyperglycinemia. Last evaluated: 2020-09-16. Review status: no assertion criteria provided. Collection method: clinical testing. Allele origin: germline. Not counted in ClinVar's aggregate classification.